The following is an entry in ClinVar:

ClinVar aggregate classification (germline): Uncertain significance (1 of 4 stars; one submission).

Conditions:
Lafora disease. Also called: Epilepsy progressive myoclonic 2; Progressive Myoclonus Epilepsy, Lafora Type. Identifiers: Orphanet 501, MedGen C0751783, MONDO:0009697.

Allele frequency attached by ClinVar (database versions not stated): TOPMed below 0.00001; gnomAD exomes 0.00001.

Submission:

Labcorp Genetics (formerly Invitae), Labcorp
Classification: Uncertain significance for Lafora disease. Last evaluated: 2022-03-23. Review status: criteria provided, single submitter. Criteria: Invitae Variant Classification Sherloc (09022015). Collection method: clinical testing. Allele origin: germline.
Comment: In summary, the available evidence is currently insufficient to determine the role of this variant in disease. Therefore, it has been classified as a Variant of Uncertain Significance. Algorithms developed to predict the effect of missense changes on protein structure and function are either unavailable or do not agree on the potential impact of this missense change (SIFT: "Tolerated"; PolyPhen-2: "Possibly Damaging"; Align-GVGD: "Class C0"). ClinVar contains an entry for this variant (Variation ID: 1015663). This variant has not been reported in the literature in individuals affected with NHLRC1-related conditions. This variant is present in population databases (no rsID available, gnomAD 0.009%). This sequence change replaces proline, which is neutral and non-polar, with leucine, which is neutral and non-polar, at codon 353 of the NHLRC1 protein (p.Pro353Leu).

NM_198586.3(NHLRC1):c.1058C>T (p.Pro353Leu)

Gene: NHLRC1 (NHL repeat containing E3 ubiquitin protein ligase 1; minus strand). Cytogenetic location: 6p22.3.
Variant type: single nucleotide variant.
Coding change: c.1058C>T on transcript NM_198586.3 (MANE Select); coding-DNA position 1058, C replaced by T.
Protein change: p.Pro353Leu; replaces proline 353 with leucine.
Molecular consequence: missense variant.
Genome position (GRCh38, 1-based): chr6:18,121,549, G>A on the plus strand (C>T on the coding strand, the complement: NHLRC1 is on the minus strand). VCF-style: chr6-18121549-G-A. GRCh37 (hg19) VCF-style: chr6-18121780-G-A.
Other names: short protein forms P353L.
Identifiers: ClinVar variation 1015663 (VCV001015663.9), dbSNP rs1440601226, ClinGen allele CA362825017.